The following is an entry in ClinVar:

NM_000532.5(PCCB):c.17G>T (p.Arg6Leu)

Gene: PCCB (propionyl-CoA carboxylase subunit beta; plus strand). Cytogenetic location: 3q22.3.
Variant type: single nucleotide variant.
Coding change: c.17G>T on transcript NM_000532.5 (MANE Select); coding-DNA position 17, G replaced by T.
Protein change: p.Arg6Leu; replaces arginine 6 with leucine.
Molecular consequence: missense variant.
Genome position (GRCh38, 1-based): chr3:136,250,392, G>T. VCF-style: chr3-136250392-G-T. GRCh37 (hg19) VCF-style: chr3-135969234-G-T.
Other names: c.17G>T, p.Arg6Leu (NM_001178014.2); c.17G>T (NM_000532.4); short protein forms R6L.
Identifiers: ClinVar variation 1385936 (VCV001385936.4), dbSNP rs767965814, ClinGen allele CA354737834.
Genomic context (GRCh38, chr3:136,250,392, plus strand): 5'-GCGTACTCAGGTGCGCCGGTAGGGGACGCGCCGGCACAGCAAAAATGGCGGCGGCATTAC[G>T]GGTGGCGGCGGTCGGGGCAAGGCTCAGCGTTCTGGCGAGCGGTCTCCGCGCCGCGGTCCG-3'
Protein context (NP_000523.2, residues 1-16): MAAAL[Arg6Leu]VAAVGARLSV

ClinVar aggregate classification (germline): Uncertain significance. Review status: criteria provided, multiple submitters, no conflicts (2 of 4 stars). 2 submissions from 2 submitters: Uncertain significance (2). Last evaluated 2023-12-20.

Conditions:
Inborn genetic diseases. Identifiers: MedGen C0950123, MeSH D030342.
Propionic acidemia (PROP). Also called: GLYCINEMIA, KETOTIC; HYPERGLYCINEMIA WITH KETOACIDOSIS AND LEUKOPENIA; KETOTIC HYPERGLYCINEMIA. Identifiers: Orphanet 35, MedGen C0268579, MONDO:0011628, OMIM 606054, HP:0003571.

Submissions (2):

Ambry Genetics
Classification: Uncertain significance for Inborn genetic diseases. Last evaluated: 2023-12-20. Review status: criteria provided, single submitter. Criteria: Ambry Variant Classification Scheme 2023. Collection method: clinical testing. Allele origin: germline.

Labcorp Genetics (formerly Invitae), Labcorp
Classification: Uncertain significance for Propionic acidemia. Last evaluated: 2021-11-04. Review status: criteria provided, single submitter. Criteria: Invitae Variant Classification Sherloc (09022015). Collection method: clinical testing. Allele origin: germline.
Comment: This sequence change replaces arginine, which is basic and polar, with leucine, which is neutral and non-polar, at codon 6 of the PCCB protein (p.Arg6Leu). This variant is present in population databases (no rsID available, gnomAD 0.007%). This variant has not been reported in the literature in individuals affected with PCCB-related conditions. Advanced modeling of protein sequence and biophysical properties (such as structural, functional, and spatial information, amino acid conservation, physicochemical variation, residue mobility, and thermodynamic stability) performed at Invitae indicates that this missense variant is not expected to disrupt PCCB protein function. In summary, the available evidence is currently insufficient to determine the role of this variant in disease. Therefore, it has been classified as a Variant of Uncertain Significance.